The following is an entry in ClinVar:

NM_001205293.3(CACNA1E):c.5895T>C (p.Ser1965=)

Gene: CACNA1E (calcium voltage-gated channel subunit alpha1 E; plus strand). Cytogenetic location: 1q25.3.
Variant type: single nucleotide variant.
Coding change: c.5895T>C on transcript NM_001205293.3 (MANE Select); coding-DNA position 5895, T replaced by C.
Protein change: p.Ser1965=; no amino-acid change (serine 1965 retained).
Molecular consequence: synonymous variant.
Genome position (GRCh38, 1-based): chr1:181,790,553, T>C. VCF-style: chr1-181790553-T-C. GRCh37 (hg19) VCF-style: chr1-181759689-T-C.
Other names: c.5895T>C, p.Ser1965= (NM_000721.4); c.5838T>C, p.Ser1946= (NM_001205294.2).
Identifiers: ClinVar variation 4822487 (VCV004822487.4).

ClinVar aggregate classification (germline): Likely benign (1 of 4 stars; one submission).

gnomAD v4.1: 37 of 1,571,572 alleles (0.0024%); highest among the groups gnomAD compares: Non-Finnish European, 0.0029%; no homozygotes.

Submission:

CeGaT Center for Human Genetics Tuebingen
Classification: Likely benign. Last evaluated: 2026-02-01. Review status: criteria provided, single submitter. Criteria: CeGaT Center For Human Genetics Tuebingen Variant Classification Criteria Version 2. Collection method: clinical testing. Allele origin: germline. Affected: yes. Observed: 1 variant allele.
Comment: CACNA1E: BP4, BP7